The following is an entry in ClinVar:

ClinVar aggregate classification (germline): Conflicting classifications of pathogenicity. Review status: criteria provided, conflicting classifications (1 of 4 stars). 2 submissions from 2 submitters: Uncertain significance (1); Likely benign (1). Last evaluated 2023-06-08.

Conditions:
Wilson disease (WND). Also called: Wilson's disease. Identifiers: Orphanet 905, MedGen C0019202, MONDO:0010200, OMIM 277900. Disease mechanism: loss of function.

Allele frequency attached by ClinVar (database versions not stated): TOPMed below 0.00001; gnomAD 0.00001.

Submissions (2):

All of Us Research Program, National Institutes of Health
Classification: Uncertain significance for Wilson disease. Last evaluated: 2023-06-08. Review status: criteria provided, single submitter. Criteria: ACMG Guidelines, 2015. Collection method: clinical testing. Allele origin: germline. Inheritance: Autosomal recessive inheritance. Observed: 2 variant alleles, 2 heterozygotes.
Comment: This variant is located in the ATP7B protein. To our knowledge, functional studies have not been reported for this variant. This variant has not been reported in individuals affected with ATP7B-related disorders in the literature. This variant has not been identified in the general population by the Genome Aggregation Database (gnomAD). The available evidence is insufficient to determine the role of this variant in disease conclusively. Therefore, this variant is classified as a Variant of Uncertain Significance.

This study involves interpretation of variants in research participants for the purpose of population health screening. Participant phenotype was not available at the time of variant classification. Additional details can be found in publication PMID: 35346344, PMCID: PMC8962531

Labcorp Genetics (formerly Invitae), Labcorp
Classification: Likely benign for Wilson disease. Last evaluated: 2023-04-09. Review status: criteria provided, single submitter. Criteria: Invitae Variant Classification Sherloc (09022015). Collection method: clinical testing. Allele origin: germline.

NM_000053.4(ATP7B):c.903T>C (p.Tyr301=)

Gene: ATP7B (ATPase copper transporting beta; minus strand). Cytogenetic location: 13q14.3.
Variant type: single nucleotide variant.
Coding change: c.903T>C on transcript NM_000053.4 (MANE Select); coding-DNA position 903, T replaced by C.
Protein change: p.Tyr301=; no amino-acid change (tyrosine 301 retained).
Molecular consequence: synonymous variant. On other transcripts: intron variant (2).
Genome position (GRCh38, 1-based): chr13:51,974,317, A>G on the plus strand (T>C on the coding strand, the complement: ATP7B is on the minus strand). VCF-style: chr13-51974317-A-G. GRCh37 (hg19) VCF-style: chr13-52548453-A-G.
Other names: c.903T>C, p.Tyr301= (NM_001005918.3, NM_001330578.2, NM_001330579.2 and 29 more transcripts); c.807T>C, p.Tyr269= (NM_001406517.1, NM_001406518.1, NM_001406530.1 and 3 more transcripts); c.802+101T>C (NM_001243182.2); c.706+101T>C (NM_001406539.1).
Identifiers: ClinVar variation 2920010 (VCV002920010.4), dbSNP rs942967963, ClinGen allele CA250066995.